The following is an entry in ClinVar:

NM_014625.4(NPHS2):c.1006dup (p.Ser336fs)

Genes: AXDND1 (axonemal dynein light chain domain containing 1; plus strand), NPHS2 (NPHS2 stomatin family member, podocin; minus strand). Cytogenetic location: 1q25.2.
Variant type: Duplication.
Coding change: c.1006dup on transcript NM_014625.4 (MANE Select); coding-DNA position 1006, one base duplicated (T; older notation c.1006dupT).
Protein change: p.Ser336fs; shifts the reading frame from serine 336.
Molecular consequence: frameshift variant. On other transcripts: intron variant (1).
Genome position (GRCh38, 1-based): chr1:179,551,319, A duplicated on the plus strand (T on the coding strand, the reverse complement: NPHS2 is on the minus strand); the first of 2 consecutive A bases (chr1:179,551,319-179,551,320); duplicating either gives the same sequence. VCF-style (leftmost placement, unchanged base first): chr1-179551318-G-GA. GRCh37 (hg19) VCF-style: chr1-179520453-G-GA.
Other names: c.802dup, p.Ser268fs (NM_001297575.2); c.3032-3192dup (NM_144696.6); short protein forms S268fs, S336fs.
Identifiers: ClinVar variation 4855076 (VCV004855076.1).
Genomic context (GRCh38, chr1:179,551,318, plus strand): 5'-CTGTTGCTGGGAGAAGACAGGCAATTCAGTAGGTCAAATGGCAAAGGTAAAACCACAGTG[G>GA]AAGGCTTCTCTGTGGACAGAGACTGAAGGGTGTGGAGGTATCGAAGCTGAACGGCAGCAG-3'

ClinVar aggregate classification (germline): Likely pathogenic (1 of 4 stars; one submission).

Conditions:
Nephrotic syndrome, type 2 (NPHS2). Also called: NEPHROTIC SYNDROME, STEROID-RESISTANT, AUTOSOMAL RECESSIVE. Identifiers: Orphanet 656, MedGen C1868672, MONDO:0010974, OMIM 600995.

Submission:

3billion
Classification: Likely pathogenic for Nephrotic syndrome, type 2. Last evaluated: 2025-11-05. Review status: criteria provided, single submitter. Criteria: ACMG Guidelines, 2015. Collection method: clinical testing. Allele origin: germline. Affected: yes.
Comment: The variant is not observed in the gnomAD v4.1.0 dataset. Predicted Consequence/Location: Frameshift: predicted to result in a loss or disruption of normal protein function through protein truncation. The predicted truncated protein may be shortened by more than 10%. Therefore, this variant is classified as Likely pathogenic according to the recommendation of ACMG/AMP guideline.